The following is an entry in ClinVar:

NM_001136271.3(NKX2-6):c.593T>C (p.Leu198Pro)

Gene: NKX2-6 (NK2 homeobox 6; minus strand). Cytogenetic location: 8p21.2.
Variant type: single nucleotide variant.
Coding change: c.593T>C on transcript NM_001136271.3 (MANE Select); coding-DNA position 593, T replaced by C.
Protein change: p.Leu198Pro; replaces leucine 198 with proline.
Molecular consequence: missense variant.
Genome position (GRCh38, 1-based): chr8:23,702,764, A>G on the plus strand (T>C on the coding strand, the complement: NKX2-6 is on the minus strand). VCF-style: chr8-23702764-A-G. GRCh37 (hg19) VCF-style: chr8-23560277-A-G.
Other names: c.593T>C (NM_001136271.2); short protein forms L198P.
Identifiers: ClinVar variation 1513585 (VCV001513585.8), dbSNP rs368111443, ClinGen allele CA4677960.

ClinVar aggregate classification (germline): Uncertain significance. Review status: criteria provided, multiple submitters, no conflicts (2 of 4 stars). 2 submissions from 2 submitters: Uncertain significance (2). Last evaluated 2022-10-27.

Conditions:
Conotruncal heart malformations (CTHM). Also called: Conotruncal heart malformations, variable. Identifiers: Orphanet 2445, Orphanet 3384, Orphanet 3426, MedGen C1857586, MONDO:0016581, OMIM 217095.

Allele frequency attached by ClinVar (database versions not stated): ExAC 0.00010; gnomAD exomes 0.00010 and 0.00020; TOPMed 0.00011; gnomAD 0.00012 and 0.00013; ESP Exome Variant Server 0.00022.
gnomAD v4.1: 297 of 1,554,416 alleles (0.019%); highest among the groups gnomAD compares: Non-Finnish European, 0.023%; no homozygotes.

Submissions (2):

Labcorp Genetics (formerly Invitae), Labcorp
Classification: Uncertain significance for Conotruncal heart malformations. Last evaluated: 2022-10-27. Review status: criteria provided, single submitter. Criteria: Invitae Variant Classification Sherloc (09022015). Collection method: clinical testing. Allele origin: germline.
Comment: In summary, the available evidence is currently insufficient to determine the role of this variant in disease. Therefore, it has been classified as a Variant of Uncertain Significance. Advanced modeling of protein sequence and biophysical properties (such as structural, functional, and spatial information, amino acid conservation, physicochemical variation, residue mobility, and thermodynamic stability) performed at Invitae indicates that this missense variant is not expected to disrupt NKX2-6 protein function. ClinVar contains an entry for this variant (Variation ID: 1513585). This variant has not been reported in the literature in individuals affected with NKX2-6-related conditions. This variant is present in population databases (rs368111443, gnomAD 0.02%). This sequence change replaces leucine, which is neutral and non-polar, with proline, which is neutral and non-polar, at codon 198 of the NKX2-6 protein (p.Leu198Pro).

Revvity Omics, Revvity
Classification: Uncertain significance for Conotruncal heart malformations. Last evaluated: 2019-09-23. Review status: criteria provided, single submitter. Criteria: ACMG Guidelines, 2015. Collection method: clinical testing. Allele origin: germline.